The following is an entry in ClinVar:

ClinVar aggregate classification (germline): Conflicting classifications of pathogenicity. Review status: criteria provided, conflicting classifications (1 of 4 stars). 4 submissions from 4 submitters: Uncertain significance (1); Likely benign (3). Last evaluated 2026-08-06.

Conditions:
Early-infantile DEE. Also called: Early infantile epileptic encephalopathy; Ohtahara syndrome; Early infantile epileptic encephalopathy with suppression bursts. Identifiers: Orphanet 1934, MedGen C0393706, MONDO:0800491.

Allele frequency attached by ClinVar (database versions not stated): gnomAD exomes 0.00005 and 0.00011; ESP Exome Variant Server 0.00008; ExAC 0.00012; gnomAD 0.00014 and 0.00016; 1000 Genomes Project 30x 0.00016; 1000 Genomes Project 0.00020; TOPMed 0.00024.
gnomAD v4.1: 97 of 1,442,032 alleles (0.0067%); highest among the groups gnomAD compares: Admixed American, 0.081%; no homozygotes.

Submissions (4):

OLLIN Analises Genomicas, OLLIN
Classification: Uncertain significance. Last evaluated: 2026-08-06. Review status: criteria provided, single submitter. Criteria: ACMG Guidelines 2015 PMID 25741868. Collection method: clinical testing. Allele origin: germline.
Comment: This nonsense variant, located in exon 11 (of 11), has been reported in ClinVar (accession VCV000530640.17) and in gnomAD with an allele frequency of 0.0067%. However, to our knowledge, it has not been reported in the scientific literature. This variant introduces a premature stop codon, which is predicted to result in either a truncated protein or degradation of the mRNA via nonsense-mediated decay (NMD). According to the currently available evidence, this variant has been classified as uncertain significance (BS2).

CeGaT Center for Human Genetics Tuebingen
Classification: Likely benign. Last evaluated: 2026-01-01. Review status: criteria provided, single submitter. Criteria: CeGaT Center For Human Genetics Tuebingen Variant Classification Criteria Version 2. Collection method: clinical testing. Allele origin: germline. Affected: yes. Observed: 1 variant allele.
Comment: KCNH5: BS1

Labcorp Genetics (formerly Invitae), Labcorp
Classification: Likely benign for Early-infantile DEE. Last evaluated: 2025-12-26. Review status: criteria provided, single submitter. Criteria: Invitae Variant Classification Sherloc (09022015). Collection method: clinical testing. Allele origin: germline.

Breakthrough Genomics
Classification: Likely benign. Review status: criteria provided, single submitter. Criteria: ACMG Guidelines, 2015. Collection method: not provided. Allele origin: germline. Inheritance: Unknown mechanism. Affected: yes.

NM_139318.5(KCNH5):c.2953G>T (p.Glu985Ter)

Gene: KCNH5 (potassium voltage-gated channel subfamily H member 5; minus strand). Cytogenetic location: 14q23.2.
Variant type: single nucleotide variant.
Coding change: c.2953G>T on transcript NM_139318.5 (MANE Select); coding-DNA position 2953, G replaced by T.
Protein change: p.Glu985Ter; replaces glutamic acid 985 with a stop codon.
Molecular consequence: nonsense. On other transcripts: 3 prime UTR variant (1).
Genome position (GRCh38, 1-based): chr14:62,707,522, C>A on the plus strand (G>T on the coding strand, the complement: KCNH5 is on the minus strand). VCF-style: chr14-62707522-C-A. GRCh37 (hg19) VCF-style: chr14-63174240-C-A.
Other names: c.*920G>T (NM_172375.3); short protein forms E985*.
Identifiers: ClinVar variation 530640 (VCV000530640.19), dbSNP rs368953680, ClinGen allele CA7217151.